The following is an entry in ClinVar:

ClinVar aggregate classification (germline): Uncertain significance (1 of 4 stars; one submission).

Submission:

Women's Health and Genetics/Laboratory Corporation of America, LabCorp
Classification: Uncertain significance. Last evaluated: 2025-09-17. Review status: criteria provided, single submitter. Criteria: LabCorp Variant Classification Summary - May 2015. Collection method: clinical testing. Allele origin: germline.
Comment: Variant summary: SGSH c.269G>C (p.Gly90Ala) results in a non-conservative amino acid change in the encoded protein sequence. Algorithms developed to predict the effect of missense changes on protein structure and function are either unavailable or do not agree on the potential impact of this missense change. The variant was absent in 248612 control chromosomes. The available data on variant occurrences in the general population are insufficient to allow any conclusion about variant significance. To our knowledge, no occurrence of c.269G>C in individuals affected with SGSH-related conditions and no experimental evidence demonstrating its impact on protein function have been reported. A different variant affecting the same codon has been classified as likely pathogenic/pathogenic by our lab (c.268G>A, p.Gly90Arg), supporting the critical relevance of codon 90 to SGSH protein function. No submitters have cited clinical-significance assessments for this variant to ClinVar. Based on the evidence outlined above, the variant was classified as uncertain significance.

NM_000199.5(SGSH):c.269G>C (p.Gly90Ala)

Gene: SGSH (N-sulfoglucosamine sulfohydrolase; minus strand). Cytogenetic location: 17q25.3.
Variant type: single nucleotide variant.
Coding change: c.269G>C on transcript NM_000199.5 (MANE Select); coding-DNA position 269, G replaced by C.
Protein change: p.Gly90Ala; replaces glycine 90 with alanine.
Molecular consequence: missense variant.
Genome position (GRCh38, 1-based): chr17:80,215,119, C>G on the plus strand (G>C on the coding strand, the complement: SGSH is on the minus strand). VCF-style: chr17-80215119-C-G. GRCh37 (hg19) VCF-style: chr17-78188918-C-G.
Other names: c.269G>C, p.Gly90Ala (NM_001352921.3, NM_001352922.2); short protein forms G90A.
Identifiers: ClinVar variation 4536143 (VCV004536143.1).